The following is an entry in ClinVar:

ClinVar aggregate classification (germline): Pathogenic (1 of 4 stars; one submission).

Submission:

Genetic Services Laboratory, University of Chicago
Classification: Pathogenic. Last evaluated: 2018-11-19. Review status: criteria provided, single submitter. Criteria: ACMG Guidelines, 2015. Collection method: clinical testing. Allele origin: germline. Affected: yes.
Comment: DNA sequence analysis of the WDR45 gene demonstrated a one base pair deletion in exon 8, c.504del. This pathogenic sequence change results in an amino acid frameshift and creates a premature stop codon 27 amino acids downstream of the mutation, p.Ser169Valfs*28. This sequence change is predicted to result in an abnormal transcript, which is likely to be degraded, or lead to the production of a truncated WDR45 protein with potentially abnormal function. The c.504del is a novel sequence change that has not been previously observed in large population databases (EXAC and gnomAD). While this particular deletion has not been previously reported, other frame shift variants in this gene have been described in patients with WDR45-related disorders (PMIDs: 25131622, 25849321, 25044655).

NM_001029896.2(WDR45):c.501del (p.Ser168fs)

Gene: WDR45 (WD repeat domain 45; minus strand). Cytogenetic location: Xp11.23.
Variant type: Deletion.
Coding change: c.501del on transcript NM_001029896.2 (MANE Select); coding-DNA position 501, one base deleted (G; older notation c.501delG).
Protein change: p.Ser168fs; shifts the reading frame from serine 168.
Molecular consequence: frameshift variant.
Genome position (GRCh38, 1-based): chrX:49,075,881, C deleted on the plus strand (G on the coding strand, the reverse complement: WDR45 is on the minus strand); the first of 3 consecutive C bases (chrX:49,075,881-49,075,883); deleting any one gives the same sequence. VCF-style (leftmost placement, unchanged base first): chrX-49075880-TC-T. GRCh37 (hg19) VCF-style: chrX-48933539-TC-T.
Other names: c.504del, p.Ser169fs (NM_007075.4); short protein forms S168fs, S169fs.
Identifiers: ClinVar variation 1335977 (VCV001335977.4), dbSNP rs2147815668, ClinGen allele CA2573055348.